The following is an entry in ClinVar:

NM_006767.4(LZTR1):c.1853A>G (p.Glu618Gly)

Gene: LZTR1 (leucine zipper like post translational regulator 1; plus strand). Cytogenetic location: 22q11.21.
Variant type: single nucleotide variant.
Coding change: c.1853A>G on transcript NM_006767.4 (MANE Select); coding-DNA position 1853, A replaced by G.
Protein change: p.Glu618Gly; replaces glutamic acid 618 with glycine.
Molecular consequence: missense variant.
Genome position (GRCh38, 1-based): chr22:20,994,937, A>G. VCF-style: chr22-20994937-A-G. GRCh37 (hg19) VCF-style: chr22-21349226-A-G.
Other names: short protein forms E618G.
Identifiers: ClinVar variation 3541716 (VCV003541716.1).

ClinVar aggregate classification (germline): Uncertain significance (1 of 4 stars; one submission).

Conditions:
Hereditary cancer-predisposing syndrome. Also called: Hereditary Cancer Syndrome; Hereditary neoplastic syndrome; Tumor predisposition; Neoplastic Syndromes, Hereditary. Identifiers: Orphanet 140162, MedGen C0027672, MeSH D009386, MONDO:0015356.
Cardiovascular phenotype. Identifiers: MedGen CN230736.

Submission:

Ambry Genetics
Classification: Uncertain significance for Cardiovascular phenotype; Hereditary cancer-predisposing syndrome. Last evaluated: 2024-11-23. Review status: criteria provided, single submitter. Criteria: Ambry Variant Classification Scheme 2023. Collection method: clinical testing. Allele origin: germline.
Comment: The p.E618G variant (also known as c.1853A>G), located in coding exon 16 of the LZTR1 gene, results from an A to G substitution at nucleotide position 1853. The glutamic acid at codon 618 is replaced by glycine, an amino acid with similar properties. This amino acid position is conserved. In addition, this alteration is predicted to be deleterious by in silico analysis. Based on the available evidence, the clinical significance of this variant remains unclear.